The following is an entry in ClinVar:

ClinVar aggregate classification (germline): Uncertain significance (1 of 4 stars; one submission).

Submission:

GeneDx
Classification: Uncertain significance. Last evaluated: 2022-02-14. Review status: criteria provided, single submitter. Criteria: GeneDx Variant Classification Process June 2021. Collection method: clinical testing. Allele origin: germline. Affected: yes.
Comment: Not observed at significant frequency in large population cohorts (gnomAD); In silico analysis supports that this missense variant has a deleterious effect on protein structure/function; Has not been previously published as pathogenic or benign to our knowledge

NM_012479.4(YWHAG):c.524T>C (p.Leu175Pro)

Gene: YWHAG (tyrosine 3-monooxygenase/tryptophan 5-monooxygenase activation protein gamma; minus strand). Cytogenetic location: 7q11.23.
Variant type: single nucleotide variant.
Coding change: c.524T>C on transcript NM_012479.4 (MANE Select); coding-DNA position 524, T replaced by C.
Protein change: p.Leu175Pro; replaces leucine 175 with proline.
Molecular consequence: missense variant.
Genome position (GRCh38, 1-based): chr7:76,329,797, A>G on the plus strand (T>C on the coding strand, the complement: YWHAG is on the minus strand). VCF-style: chr7-76329797-A-G. GRCh37 (hg19) VCF-style: chr7-75959114-A-G.
Other names: short protein forms L175P.
Identifiers: ClinVar variation 1700815 (VCV001700815.2), dbSNP rs2115588022, ClinGen allele CA367776794.